The following is an entry in ClinVar:

NM_001017930.2(DCAF8L1):c.321G>A (p.Met107Ile)

Gene: DCAF8L1 (DDB1 and CUL4 associated factor 8 like 1; minus strand). Cytogenetic location: Xp21.3.
Variant type: single nucleotide variant.
Coding change: c.321G>A on transcript NM_001017930.2 (MANE Select); coding-DNA position 321, G replaced by A.
Protein change: p.Met107Ile; replaces methionine 107 with isoleucine.
Molecular consequence: missense variant.
Genome position (GRCh38, 1-based): chrX:27,981,014, C>T on the plus strand (G>A on the coding strand, the complement: DCAF8L1 is on the minus strand). VCF-style: chrX-27981014-C-T. GRCh37 (hg19) VCF-style: chrX-27999131-C-T.
Other names: short protein forms M107I.
Identifiers: ClinVar variation 2660218 (VCV002660218.24), dbSNP rs148567837, ClinGen allele CA10375267.

ClinVar aggregate classification (germline): Likely benign (1 of 4 stars; one submission).

Allele frequency attached by ClinVar (database versions not stated): ExAC 0.00066; TOPMed 0.00066; gnomAD 0.00069; ESP Exome Variant Server 0.00095; gnomAD exomes 0.00153.

Submission:

CeGaT Center for Human Genetics Tuebingen
Classification: Likely benign. Last evaluated: 2023-01-01. Review status: criteria provided, single submitter. Criteria: CeGaT Center For Human Genetics Tuebingen Variant Classification Criteria Version 2. Collection method: clinical testing. Allele origin: germline. Affected: yes. Observed: 1 variant allele.
Comment: DCAF8L1: BP4, BS2